The following is an entry in ClinVar:

ClinVar aggregate classification (germline): Uncertain significance. Review status: criteria provided, multiple submitters, no conflicts (2 of 4 stars). 2 submissions from 2 submitters: Uncertain significance (2). Last evaluated 2025-07-16.

Allele frequency attached by ClinVar (database versions not stated): gnomAD exomes below 0.00001; gnomAD 0.00001; 1000 Genomes Project 30x 0.00016; 1000 Genomes Project 0.00020.
gnomAD v4.1: 3 of 1,613,880 alleles (0.00019%); highest among the groups gnomAD compares: African/African-American, 0.004%; no homozygotes.

Submissions (2):

Ambry Genetics
Classification: Uncertain significance. Last evaluated: 2025-07-16. Review status: criteria provided, single submitter. Criteria: Ambry Variant Classification Scheme 2023. Collection method: clinical testing. Allele origin: germline.

Labcorp Genetics (formerly Invitae), Labcorp
Classification: Uncertain significance. Last evaluated: 2024-10-21. Review status: criteria provided, single submitter. Criteria: Invitae Variant Classification Sherloc (09022015). Collection method: clinical testing. Allele origin: germline.
Comment: This sequence change replaces aspartic acid, which is acidic and polar, with glycine, which is neutral and non-polar, at codon 1024 of the ADGRA3 protein (p.Asp1024Gly). This variant is not present in population databases (gnomAD no frequency). This variant has not been reported in the literature in individuals affected with ADGRA3-related conditions. ClinVar contains an entry for this variant (Variation ID: 1959164). An algorithm developed to predict the effect of missense changes on protein structure and function (PolyPhen-2) suggests that this variant is likely to be disruptive. In summary, the available evidence is currently insufficient to determine the role of this variant in disease. Therefore, it has been classified as a Variant of Uncertain Significance.

NM_145290.4(ADGRA3):c.3071A>G (p.Asp1024Gly)

Gene: ADGRA3 (adhesion G protein-coupled receptor A3; minus strand). Cytogenetic location: 4p15.2.
Variant type: single nucleotide variant.
Coding change: c.3071A>G on transcript NM_145290.4 (MANE Select); coding-DNA position 3071, A replaced by G.
Protein change: p.Asp1024Gly; replaces aspartic acid 1024 with glycine.
Molecular consequence: missense variant.
Genome position (GRCh38, 1-based): chr4:22,388,600, T>C on the plus strand (A>G on the coding strand, the complement: ADGRA3 is on the minus strand). VCF-style: chr4-22388600-T-C. GRCh37 (hg19) VCF-style: chr4-22390223-T-C.
Other names: c.3071A>G (NM_145290.2); short protein forms D1024G.
Identifiers: ClinVar variation 1959164 (VCV001959164.6), dbSNP rs200971638, ClinGen allele CA93480868.